The following is an entry in ClinVar:

NM_000152.5(GAA):c.1243_1244del (p.Thr415fs)

Gene: GAA (alpha glucosidase; plus strand). Cytogenetic location: 17q25.3.
Variant type: Deletion.
Coding change: c.1243_1244del on transcript NM_000152.5 (MANE Select); coding-DNA positions 1243 to 1244, 2 bases deleted (AC; older notation c.1243_1244delAC).
Protein change: p.Thr415fs; shifts the reading frame from threonine 415.
Molecular consequence: frameshift variant.
Genome position (GRCh38, 1-based): chr17:80,108,745-80,108,746, AC deleted; deleting any 2 consecutive bases within chr17:80,108,744-80,108,746 gives the same sequence; the c. name uses the placement nearest the transcript's 3' end. VCF-style (leftmost placement, unchanged base first): chr17-80108743-TCA-T. GRCh37 (hg19) VCF-style: chr17-78082542-TCA-T.
Other names: c.1243_1244del, p.Thr415fs (NM_001079803.3, NM_001079804.3); c.1243_1244delAC, p.Thr415Valfs (NM_001406741.1, NM_001406742.1); short protein forms T415fs.
Identifiers: ClinVar variation 1724829 (VCV001724829.2), dbSNP rs2510364649, ClinGen allele CA2580095334.

ClinVar aggregate classification (germline): Likely pathogenic (1 of 4 stars; one submission).

Conditions:
Glycogen storage disease, type II (IOPD). Also called: Glucosidase acid-1,4-alpha deficiency; Pompe Disease; GLYCOGENOSIS, GENERALIZED, CARDIAC FORM; GSD II; CARDIOMEGALIA GLYCOGENICA DIFFUSA; Glycogen storage disease type 2. Identifiers: Orphanet 365, MedGen C0017921, MONDO:0009290, OMIM 232300.

Submission:

Myriad Genetics, Inc.
Classification: Likely pathogenic for Glycogen storage disease, type II. Last evaluated: 2022-02-28. Review status: criteria provided, single submitter. Criteria: Myriad Women's Health Autosomal Recessive and X-Linked Classification Criteria (2021). Collection method: clinical testing. Allele origin: unknown.
Comment: NM_000152.3(GAA):c.1243_1244delAC(T415Vfs*90) is expected to be pathogenic in the context of Pompe disease. This variant is predicted to lead to an abnormal or absent protein product due to the creation of a premature termination codon in GAA, a gene where loss-of-function variants are known to be pathogenic. Please note: this variant was assessed in the context of healthy population screening.